The following is an entry in ClinVar:

ClinVar aggregate classification (germline): Likely benign (1 of 4 stars; one submission).

Submission:

Women's Health and Genetics/Laboratory Corporation of America, LabCorp
Classification: Likely benign. Last evaluated: 2025-09-05. Review status: criteria provided, single submitter. Criteria: LabCorp Variant Classification Summary - May 2015. Collection method: clinical testing. Allele origin: germline.
Comment: Variant summary: DDX11 c.880+9_880+10delinsCA alters a nucleotide located at a position not widely known to affect splicing. Consensus agreement among computation tools predict no significant impact on normal splicing. However, these predictions have yet to be confirmed by functional studies. The frequency of this variant in the general population could not be determined as the technology used for large population databases (ExAC, gnomAD, ESP, 1000G) cannot detect variants of this type. The available data on variant occurrences in the general population are insufficient to allow any conclusion about variant significance. To our knowledge, no occurrence of c.880+9_880+10delinsCA in individuals affected with DDX11-related conditions and no experimental evidence demonstrating its impact on protein function have been reported. No submitters have cited clinical-significance assessments for this variant to ClinVar. Based on the evidence outlined above, the variant was classified as likely benign.

NM_030653.4(DDX11):c.880+9_880+10inv

Gene: DDX11 (DEAD/H-box helicase 11; plus strand). Cytogenetic location: 12p11.21.
Variant type: Inversion.
Coding change: c.880+9_880+10inv on transcript NM_030653.4 (MANE Select).
Molecular consequence: intron variant.
Genome position: GRCh38 VCF-style: chr12-31089499-TG-CA. GRCh37 (hg19) VCF-style: chr12-31242433-TG-CA.
Other names: c.880+9_880+10inv (NM_001413693.1, NM_152438.2, NM_004399.3 and 5 more transcripts); c.19+9_19+10inv (NM_001413705.1, NM_001413704.1); c.-87+348_-87+349inv (NM_001413706.1); c.793+9_793+10inv (NM_001413700.1); c.352+9_352+10inv (NM_001413702.1, NM_001413703.1); c.802+9_802+10inv (NM_001413697.1, NM_001413699.1, NM_001257145.2 and 1 more transcripts); c.880+9_880+10delinsCA (NM_030653.4).
Identifiers: ClinVar variation 4535712 (VCV004535712.1).